The following is an entry in ClinVar:

NM_052867.4(NALCN):c.4208C>T (p.Pro1403Leu)

Gene: NALCN (sodium leak channel, non-selective; minus strand). Cytogenetic location: 13q32.3.
Variant type: single nucleotide variant.
Coding change: c.4208C>T on transcript NM_052867.4 (MANE Select); coding-DNA position 4208, C replaced by T.
Protein change: p.Pro1403Leu; replaces proline 1403 with leucine.
Molecular consequence: missense variant.
Genome position (GRCh38, 1-based): chr13:101,068,817, G>A on the plus strand (C>T on the coding strand, the complement: NALCN is on the minus strand). VCF-style: chr13-101068817-G-A. GRCh37 (hg19) VCF-style: chr13-101721169-G-A.
Other names: c.4295C>T, p.Pro1432Leu (NM_001350748.2); c.4208C>T, p.Pro1403Leu (NM_001350749.2); c.4121C>T, p.Pro1374Leu (NM_001350750.2, NM_001350751.2); short protein forms P1374L, P1432L, P1403L.
Identifiers: ClinVar variation 4698218 (VCV004698218.1).

ClinVar aggregate classification (germline): Uncertain significance (1 of 4 stars; one submission).

gnomAD v4.1: 9 of 1,606,554 alleles (0.00056%); highest among the groups gnomAD compares: South Asian, 0.0056%; no homozygotes.

Submission:

Labcorp Genetics (formerly Invitae), Labcorp
Classification: Uncertain significance. Last evaluated: 2026-01-02. Review status: criteria provided, single submitter. Criteria: Invitae Variant Classification Sherloc (09022015). Collection method: clinical testing. Allele origin: germline.
Comment: This sequence change replaces proline, which is neutral and non-polar, with leucine, which is neutral and non-polar, at codon 1403 of the NALCN protein (p.Pro1403Leu). The frequency data for this variant in the population databases is considered unreliable, as metrics indicate poor data quality at this position in the gnomAD database. This variant has not been reported in the literature in individuals affected with NALCN-related conditions. Invitae Evidence Modeling of protein sequence and biophysical properties (such as structural, functional, and spatial information, amino acid conservation, physicochemical variation, residue mobility, and thermodynamic stability) indicates that this missense variant is expected to disrupt NALCN protein function with a positive predictive value of 80%. In summary, the available evidence is currently insufficient to determine the role of this variant in disease. Therefore, it has been classified as a Variant of Uncertain Significance.